The following is an entry in ClinVar:

NM_005630.3(SLCO2A1):c.1084G>C (p.Ala362Pro)

Gene: SLCO2A1 (solute carrier organic anion transporter family member 2A1; minus strand). Cytogenetic location: 3q22.1.
Variant type: single nucleotide variant.
Coding change: c.1084G>C on transcript NM_005630.3 (MANE Select); coding-DNA position 1084, G replaced by C.
Protein change: p.Ala362Pro; replaces alanine 362 with proline.
Molecular consequence: missense variant.
Genome position (GRCh38, 1-based): chr3:133,948,557, C>G on the plus strand (G>C on the coding strand, the complement: SLCO2A1 is on the minus strand). VCF-style: chr3-133948557-C-G. GRCh37 (hg19) VCF-style: chr3-133667401-C-G.
Other names: short protein forms A362P.
Identifiers: ClinVar variation 2532476 (VCV002532476.6), dbSNP rs556819076, ClinGen allele CA2626581.

ClinVar aggregate classification (germline): Conflicting classifications of pathogenicity. Review status: criteria provided, conflicting classifications (1 of 4 stars). 3 submissions from 3 submitters: Uncertain significance (1); Benign (1). 1 of the submissions does not count toward it. Last evaluated 2024-10-25.

Conditions:
SLCO2A1-related disorder. Also called: SLCO2A1-related condition.
Inborn genetic diseases. Identifiers: MedGen C0950123, MeSH D030342.

Allele frequency attached by ClinVar (database versions not stated): TOPMed 0.00001; gnomAD 0.00017; gnomAD exomes 0.00018; ExAC 0.00039; 1000 Genomes Project 30x 0.00078; 1000 Genomes Project 0.00080.
gnomAD v4.1: 288 of 1,613,984 alleles (0.018%); highest among the groups gnomAD compares: South Asian, 0.3%; 2 homozygotes.

Submissions (3):

Labcorp Genetics (formerly Invitae), Labcorp
Classification: Benign. Last evaluated: 2024-10-25. Review status: criteria provided, single submitter. Criteria: Invitae Variant Classification Sherloc (09022015). Collection method: clinical testing. Allele origin: germline.

Ambry Genetics
Classification: Uncertain significance for Inborn genetic diseases. Last evaluated: 2023-05-10. Review status: criteria provided, single submitter. Criteria: Ambry Variant Classification Scheme 2023. Collection method: clinical testing. Allele origin: germline.

PreventionGenetics, part of Exact Sciences
Classification: Likely benign for SLCO2A1-related condition. Last evaluated: 2023-11-28. Review status: no assertion criteria provided. Collection method: clinical testing. Allele origin: germline. Not counted in ClinVar's aggregate classification.
Comment: This variant is classified as likely benign based on ACMG/AMP sequence variant interpretation guidelines (Richards et al. 2015 PMID: 25741868, with internal and published modifications).